The following is an entry in ClinVar:

ClinVar aggregate classification (germline): Benign. Review status: criteria provided, single submitter (1 of 4 stars). 2 submissions from 2 submitters: Benign (1). 1 of the submissions does not count toward it. Last evaluated 2026-02-01.

Conditions:
HMX1-related disorder. Also called: HMX1-related condition.

Allele frequency attached by ClinVar (database versions not stated): gnomAD exomes 0.00543; 1000 Genomes Project 30x 0.01093; 1000 Genomes Project 0.01198; ExAC 0.03090.
gnomAD v4.1: 2,433 of 1,441,726 alleles (0.17%); highest among the groups gnomAD compares: South Asian, 3.1%; 70 homozygotes.

Submissions (2):

Labcorp Genetics (formerly Invitae), Labcorp
Classification: Benign. Last evaluated: 2026-02-01. Review status: criteria provided, single submitter. Criteria: Invitae Variant Classification Sherloc (09022015). Collection method: clinical testing. Allele origin: germline.

PreventionGenetics, part of Exact Sciences
Classification: Benign for HMX1-related condition. Last evaluated: 2019-07-22. Review status: no assertion criteria provided. Collection method: clinical testing. Allele origin: germline. Not counted in ClinVar's aggregate classification.
Comment: This variant is classified as benign based on ACMG/AMP sequence variant interpretation guidelines (Richards et al. 2015 PMID: 25741868, with internal and published modifications).

NM_018942.3(HMX1):c.448G>T (p.Ala150Ser)

Gene: HMX1 (H6 family homeobox 1; minus strand). Cytogenetic location: 4p16.1.
Variant type: single nucleotide variant.
Coding change: c.448G>T on transcript NM_018942.3 (MANE Select); coding-DNA position 448, G replaced by T.
Protein change: p.Ala150Ser; replaces alanine 150 with serine.
Molecular consequence: missense variant. On other transcripts: intron variant (1).
Genome position (GRCh38, 1-based): chr4:8,868,292, C>A on the plus strand (G>T on the coding strand, the complement: HMX1 is on the minus strand). VCF-style: chr4-8868292-C-A. GRCh37 (hg19) VCF-style: chr4-8870018-C-A.
Other names: c.448G>T (NM_018942.2); c.394+2929G>T (NM_001306142.2); short protein forms A150S.
Identifiers: ClinVar variation 1170436 (VCV001170436.11), dbSNP rs376695621, ClinGen allele CA2854306.